The following is an entry in ClinVar:

ClinVar aggregate classification (germline): Uncertain significance (1 of 4 stars; one submission).

Conditions:
Developmental delay, impaired speech, and behavioral abnormalities. Identifiers: MedGen C5561957, MONDO:0859178, OMIM 619475.

Submission:

3billion
Classification: Uncertain significance for Developmental delay, impaired speech, and behavioral abnormalities. Last evaluated: 2025-06-05. Review status: criteria provided, single submitter. Criteria: ACMG Guidelines, 2015. Collection method: clinical testing. Allele origin: germline. Affected: yes.
Comment: The variant is not observed in the gnomAD v4.1.0 dataset. Predicted Consequence/Location: Intron variant In silico tools predict the variant to alter splicing and produce an abnormal transcript [SpliceAI: 0.24 (>=0.2, moderate evidence for spliceogenicity)]. Therefore, this variant is classified as VUS according to the recommendation of ACMG/AMP guideline.

NM_003128.3(SPTBN1):c.149-35201C>G

Gene: SPTBN1 (spectrin beta, non-erythrocytic 1; plus strand). Cytogenetic location: 2p16.2.
Variant type: single nucleotide variant.
Coding change: c.149-35201C>G on transcript NM_003128.3 (MANE Select); 35201 bases into the intron before coding-DNA position 149, C replaced by G.
Molecular consequence: intron variant.
Genome position (GRCh38, 1-based): chr2:54,563,891, C>G. VCF-style: chr2-54563891-C-G. GRCh37 (hg19) VCF-style: chr2-54791028-C-G.
Other names: c.109+5004C>G (NM_178313.3).
Identifiers: ClinVar variation 4855503 (VCV004855503.1).